The following is an entry in ClinVar:

ClinVar aggregate classification (germline): Pathogenic (1 of 4 stars; one submission).

Conditions:
Fabry disease. Also called: ALPHA-GALACTOSIDASE A DEFICIENCY; ANDERSON-FABRY DISEASE; CERAMIDE TRIHEXOSIDASE DEFICIENCY; GLA DEFICIENCY; HEREDITARY DYSTOPIC LIPIDOSIS; Angiokeratoma corporis diffusum. Identifiers: Orphanet 324, MedGen C0002986, MONDO:0010526, OMIM 301500, HP:0001071. Disease mechanism: Fabry disease is due to inactivating mutations in the X-linked GLA gene resulting in deficiency of the enzyme Alpha Galactosidase-A., loss of function.

Submission:

Genomenon, Inc
Classification: Pathogenic for Fabry disease. Last evaluated: 2026-09-08. Review status: criteria provided, single submitter. Criteria: Genomenon Sequence Variant Interpretation Standards - Updated. Collection method: curation. Allele origin: germline. Affected: yes.
Comment: GLA p.Phe69LeufsTer52 (c.207del) is a frameshift variant that is predicted to introduce a premature termination codon and result in a truncated or absent protein product. This variant has been observed in at least one proband with clinical features consistent with Fabry disease (PMID:33016649). The variant was found to segregate with disease in at least one affected family (PMID:33016649). Functional or patient cell studies have been reported (PMID:32843101;33016649). It is absent or not present at a significant frequency in gnomAD. In conclusion, we classify GLA p.Phe69LeufsTer52 (c.207del) as a pathogenic variant.

Literature cited by the submitters: PubMed 33016649; PubMed 32843101.

NM_000169.3(GLA):c.207del (p.Phe69fs)

Genes: GLA (galactosidase alpha; minus strand), RPL36A-HNRNPH2 (RPL36A-HNRNPH2 readthrough; plus strand). Cytogenetic location: Xq22.1.
Variant type: Deletion.
Coding change: c.207del on transcript NM_000169.3 (MANE Select); coding-DNA position 207, one base deleted (C; older notation c.207delC).
Protein change: p.Phe69fs; shifts the reading frame from phenylalanine 69.
Molecular consequence: frameshift variant. On other transcripts: non-coding transcript variant (3), intron variant (2).
Genome position (GRCh38, 1-based): chrX:101,403,973, G deleted on the plus strand (C on the coding strand, the reverse complement: GLA is on the minus strand). VCF-style (leftmost placement, unchanged base first): chrX-101403972-TG-T. GRCh37 (hg19) VCF-style: chrX-100658960-TG-T.
Other names: c.330del, p.Phe110fs (NM_001406747.1, NM_001406749.1); c.207del, p.Phe69fs (NM_001406748.1); c.301-7963del (NM_001199973.2); c.178-7963del (NM_001199974.2); short protein forms F110fs, F69fs.
Identifiers: ClinVar variation 4087272 (VCV004087272.2).